The following is an entry in ClinVar:

NM_005120.3(MED12):c.5339A>G (p.Glu1780Gly)

Gene: MED12 (mediator complex subunit 12; plus strand). Cytogenetic location: Xq13.1.
Variant type: single nucleotide variant.
Coding change: c.5339A>G on transcript NM_005120.3 (MANE Select); coding-DNA position 5339, A replaced by G.
Protein change: p.Glu1780Gly; replaces glutamic acid 1780 with glycine.
Molecular consequence: missense variant.
Genome position (GRCh38, 1-based): chrX:71,136,594, A>G. VCF-style: chrX-71136594-A-G. GRCh37 (hg19) VCF-style: chrX-70356444-A-G.
Other names: short protein forms E1780G.
Identifiers: ClinVar variation 4824179 (VCV004824179.1).

ClinVar aggregate classification (germline): Uncertain significance (1 of 4 stars; one submission).

Conditions:
Familial thoracic aortic aneurysm and aortic dissection (TAAD). Also called: Thoracic aortic aneurysms and dissections. Identifiers: Orphanet 91387, MedGen C4707243, MONDO:0019625.

Submission:

Ambry Genetics
Classification: Uncertain significance for Familial thoracic aortic aneurysm and aortic dissection. Last evaluated: 2026-01-21. Review status: criteria provided, single submitter. Criteria: Ambry Variant Classification Scheme 2023. Collection method: clinical testing. Allele origin: germline.
Comment: The p.E1780G variant (also known as c.5339A>G), located in coding exon 37 of the MED12 gene, results from an A to G substitution at nucleotide position 5339. The glutamic acid at codon 1780 is replaced by glycine, an amino acid with similar properties. This amino acid position is conserved. In addition, this alteration is predicted to be tolerated by in silico analysis. Based on the available evidence, the clinical significance of this variant remains unclear.